The following is an entry in ClinVar:

NM_000254.3(MTR):c.3383C>T (p.Ala1128Val)

Gene: MTR (5-methyltetrahydrofolate-homocysteine methyltransferase; plus strand). Cytogenetic location: 1q43.
Variant type: single nucleotide variant.
Coding change: c.3383C>T on transcript NM_000254.3 (MANE Select); coding-DNA position 3383, C replaced by T.
Protein change: p.Ala1128Val; replaces alanine 1128 with valine.
Molecular consequence: missense variant.
Genome position (GRCh38, 1-based): chr1:236,894,535, C>T. VCF-style: chr1-236894535-C-T. GRCh37 (hg19) VCF-style: chr1-237057835-C-T.
Other names: c.3230C>T, p.Ala1077Val (NM_001291939.1); c.2162C>T, p.Ala721Val (NM_001291940.2); short protein forms A721V, A1128V, A1077V.
Identifiers: ClinVar variation 1446184 (VCV001446184.5), dbSNP rs759436870, ClinGen allele CA1474673.
Genomic context (GRCh38, chr1:236,894,535, plus strand): 5'-AAGAGCTGAGCAAGGCCTATGAGGATGATGGTGACGACTACAGCAGCATCATGGTCAAGG[C>T]GCTGGGGGACCGGCTGGCAGAGGTAAGGCAGAGGCATTGCGCCGAGGGGCTGAGGACAGA-3'
Protein context (NP_000245.2, residues 1118-1138): GDDYSSIMVK[Ala1128Val]LGDRLAEAFA

ClinVar aggregate classification (germline): Uncertain significance (1 of 4 stars; one submission).

Conditions:
Methylcobalamin deficiency type cblG (HMAG). Also called: Functional methionine synthase deficiency type cblG; HOMOCYSTINURIA-MEGALOBLASTIC ANEMIA, cblG COMPLEMENTATION TYPE; HOMOCYSTINURIA-MEGALOBLASTIC ANEMIA, cblG TYPE; HOMOCYSTINURIA-MEGALOBLASTIC ANEMIA DUE TO DEFECT IN COBALAMIN METABOLISM, cblG COMPLEMENTATION TYPE. Identifiers: Orphanet 2170, Orphanet 622, MedGen C1855128, MONDO:0009609, OMIM 250940.

Allele frequency attached by ClinVar (database versions not stated): gnomAD 0.00001; ExAC 0.00002; gnomAD exomes 0.00002 and 0.00003; TOPMed 0.00002.
gnomAD v4.1: 41 of 1,613,932 alleles (0.0025%); highest among the groups gnomAD compares: Admixed American, 0.005%; no homozygotes.

Submission:

Labcorp Genetics (formerly Invitae), Labcorp
Classification: Uncertain significance for Methylcobalamin deficiency type cblG. Last evaluated: 2021-09-02. Review status: criteria provided, single submitter. Criteria: Invitae Variant Classification Sherloc (09022015). Collection method: clinical testing. Allele origin: germline.
Comment: This sequence change replaces alanine with valine at codon 1128 of the MTR protein (p.Ala1128Val). The alanine residue is highly conserved and there is a small physicochemical difference between alanine and valine. This variant is present in population databases (rs759436870, ExAC 0.003%). This variant has not been reported in the literature in individuals affected with MTR-related conditions. Algorithms developed to predict the effect of missense changes on protein structure and function are either unavailable or do not agree on the potential impact of this missense change (SIFT: "Deleterious"; PolyPhen-2: "Probably Damaging"; Align-GVGD: "Class C0"). Algorithms developed to predict the effect of sequence changes on RNA splicing suggest that this variant may create or strengthen a splice site. In summary, the available evidence is currently insufficient to determine the role of this variant in disease. Therefore, it has been classified as a Variant of Uncertain Significance.